The following is an entry in ClinVar:

ClinVar aggregate classification (germline): Uncertain significance (1 of 4 stars; one submission).

Conditions:
LRRC45-related disorder. Also called: LRRC45-related condition.

Submission:

PreventionGenetics, part of Exact Sciences
Classification: Uncertain significance for LRRC45-related condition. Last evaluated: 2026-06-15. Review status: criteria provided, single submitter. Criteria: ACMG Guidelines, 2015. Collection method: clinical testing. Allele origin: germline.
Comment: The LRRC45 c.888delC variant is predicted to result in a frameshift and premature protein termination (p.Ile297Serfs*11). To our knowledge, this variant has not been reported in the literature. This variant is reported in 0.0066% of alleles in individuals of African descent in gnomAD. At this time, the clinical significance of this variant is uncertain due to the absence of conclusive functional and genetic evidence.

NM_144999.4(LRRC45):c.888del (p.Ile297fs)

Gene: LRRC45 (leucine rich repeat containing 45; plus strand). Cytogenetic location: 17q25.3.
Variant type: Deletion.
Coding change: c.888del on transcript NM_144999.4 (MANE Select); coding-DNA position 888, one base deleted (C; older notation c.888delC).
Protein change: p.Ile297fs; shifts the reading frame from isoleucine 297.
Molecular consequence: frameshift variant.
Genome position (GRCh38, 1-based): chr17:82,027,728, C deleted; the last of 2 consecutive C bases (chr17:82,027,727-82,027,728); deleting either gives the same sequence. VCF-style (leftmost placement, unchanged base first): chr17-82027726-TC-T. GRCh37 (hg19) VCF-style: chr17-79985602-TC-T.
Other names: short protein forms I297fs.
Identifiers: ClinVar variation 5000951 (VCV005000951.1).